The following is an entry in ClinVar:

NM_033087.4(ALG2):c.1A>G (p.Met1Val)

Gene: ALG2 (ALG2 alpha-1,3/1,6-mannosyltransferase; minus strand). Cytogenetic location: 9q22.33.
Variant type: single nucleotide variant.
Coding change: c.1A>G on transcript NM_033087.4 (MANE Select); coding-DNA position 1, A replaced by G.
Protein change: p.Met1Val; changes the start codon (methionine 1).
Molecular consequence: missense variant, initiator codon variant. On other transcripts: non-coding transcript variant (1).
Genome position (GRCh38, 1-based): chr9:99,221,894, T>C on the plus strand (A>G on the coding strand, the complement: ALG2 is on the minus strand). VCF-style: chr9-99221894-T-C. GRCh37 (hg19) VCF-style: chr9-101984176-T-C.
Other names: short protein forms M1V.
Identifiers: ClinVar variation 364214 (VCV000364214.7), dbSNP rs750172644, ClinGen allele CA5156518.

ClinVar aggregate classification (germline): Uncertain significance. Review status: criteria provided, multiple submitters, no conflicts (2 of 4 stars). 2 submissions from 2 submitters: Uncertain significance (2). Last evaluated 2025-03-17.

Conditions:
Congenital disorder of glycosylation, type Ii. Also called: CDG Ii; ALG2-CDG; ALG2-congenital disorder of glycosylation. Identifiers: Orphanet 79326, MedGen C1842836, MONDO:0011933, OMIM 607906.
Congenital myasthenic syndrome 14. Also called: Myasthenic syndrome, congenital, 14, with tubular aggregates. Identifiers: Orphanet 353327, Orphanet 590, MedGen C4015597, MONDO:0014543, OMIM 616228.

Allele frequency attached by ClinVar (database versions not stated): gnomAD exomes 0.00006; ExAC 0.00007; gnomAD 0.00003; TOPMed 0.00003.

Submissions (2):

Labcorp Genetics (formerly Invitae), Labcorp
Classification: Uncertain significance for Congenital disorder of glycosylation, type Ii; Congenital myasthenic syndrome 14. Last evaluated: 2025-03-17. Review status: criteria provided, single submitter. Criteria: Invitae Variant Classification Sherloc (09022015). Collection method: clinical testing. Allele origin: germline.
Comment: This sequence change affects the initiator methionine of the ALG2 mRNA. The next in-frame methionine is located at codon 94. This variant is present in population databases (rs750172644, gnomAD 0.09%). This variant has not been reported in the literature in individuals affected with ALG2-related conditions. ClinVar contains an entry for this variant (Variation ID: 364214). In summary, the available evidence is currently insufficient to determine the role of this variant in disease. Therefore, it has been classified as a Variant of Uncertain Significance.

Breakthrough Genomics
Classification: Uncertain significance. Review status: criteria provided, single submitter. Criteria: ACMG Guidelines, 2015. Collection method: not provided. Allele origin: germline. Inheritance: Autosomal recessive inheritance. Affected: yes.